The following is an entry in ClinVar:

NM_000465.4(BARD1):c.1396-1G>A

Gene: BARD1 (BRCA1 associated RING domain 1; minus strand). Cytogenetic location: 2q35.
Variant type: single nucleotide variant.
Coding change: c.1396-1G>A on transcript NM_000465.4 (MANE Select); the canonical splice acceptor site of the intron before coding-DNA position 1396, G replaced by A.
Molecular consequence: splice acceptor variant. On other transcripts: intron variant (3).
Genome position (GRCh38, 1-based): chr2:214,767,655, C>T on the plus strand (G>A on the coding strand, the complement: BARD1 is on the minus strand). VCF-style: chr2-214767655-C-T. GRCh37 (hg19) VCF-style: chr2-215632379-C-T.
Other names: c.159-15100G>A (NM_001282548.2); c.1339-1G>A (NM_001282543.2); c.216-15100G>A (NM_001282545.2); c.364+24642G>A (NM_001282549.2).
Identifiers: ClinVar variation 1467624 (VCV001467624.14), dbSNP rs2106077292, ClinGen allele CA350448971.
Genomic context (GRCh38, chr2:214,767,655, plus strand): 5'-TGCCTTATGCTGGAGCAATAATTCCACTACCTTCAGGTGCCCATGATTGCAAGCTTCATG[C>T]TAATTAAATTTTTTGAAAAAGAAGTGAAAGAAGTGATAAGAAAGAGCAATGGATGATATT-3'

ClinVar aggregate classification (germline): Likely pathogenic. Review status: criteria provided, multiple submitters, no conflicts (2 of 4 stars). 4 submissions from 4 submitters: Likely pathogenic (4). Last evaluated 2025-12-15.

Conditions:
Familial cancer of breast. Also called: hereditary breast carcinoma; BREAST CANCER, FAMILIAL; Hereditary breast cancer. Identifiers: Orphanet 227535, MedGen C0346153, MONDO:0016419, OMIM 114480. Disease mechanism: loss of function.
Hereditary cancer-predisposing syndrome. Also called: Tumor predisposition; Hereditary Cancer Syndrome; Hereditary neoplastic syndrome; Neoplastic Syndromes, Hereditary. Identifiers: Orphanet 140162, MedGen C0027672, MeSH D009386, MONDO:0015356.

Submissions (4):

Labcorp Genetics (formerly Invitae), Labcorp
Classification: Likely pathogenic for Familial cancer of breast. Last evaluated: 2025-12-15. Review status: criteria provided, single submitter. Criteria: Invitae Variant Classification Sherloc (09022015). Collection method: clinical testing. Allele origin: germline.
Comment: This sequence change affects an acceptor splice site in intron 5 of the BARD1 gene. RNA analysis indicates that disruption of this splice site induces altered splicing and may result in an absent or altered protein product. This variant is not present in population databases (gnomAD no frequency). Disruption of this splice site has been observed in individual(s) with breast cancer (PMID: 30130155, 31036035). ClinVar contains an entry for this variant (Variation ID: 1467624). Studies have shown that disruption of this splice site results in activation of a cryptic splice site, and produces a non-functional protein and/or introduces a premature termination codon (internal data). In summary, the currently available evidence indicates that the variant is pathogenic, but additional data are needed to prove that conclusively. Therefore, this variant has been classified as Likely Pathogenic.

Ambry Genetics
Classification: Likely pathogenic for Hereditary cancer-predisposing syndrome. Last evaluated: 2025-09-15. Review status: criteria provided, single submitter. Criteria: Ambry Variant Classification Scheme 2023. Collection method: clinical testing. Allele origin: germline.
Comment: The c.1396-1G>A intronic variant results from a G to A substitution one nucleotide upstream from coding exon 6 of the BARD1 gene. This variant has been reported in patients diagnosed with breast cancer and one of them a family history of breast cancer (Weber-Lassalle N et al. Breast Cancer Res, 2019 04;21:55; Zheng Y et al. J Clin Oncol, 2018 Oct;36:2820-2825). This nucleotide position is highly conserved in available vertebrate species. In silico splice site analysis predicts that this alteration will weaken the native splice acceptor site and will result in the creation or strengthening of a novel splice acceptor site. RNA studies have demonstrated that this alteration results in abnormal splicing in the set of samples tested (Ambry internal data). Alterations that disrupt the canonical splice site are expected to cause aberrant splicing, resulting in an abnormal protein or a transcript that is subject to nonsense-mediated mRNA decay. As such, this alteration is classified as likely pathogenic.

Fulgent Genetics
Classification: Likely pathogenic for Familial cancer of breast. Last evaluated: 2024-02-16. Review status: criteria provided, single submitter. Criteria: ACMG Guidelines, 2015. Collection method: clinical testing. Allele origin: germline.

Myriad Genetics, Inc.
Classification: Likely pathogenic for Familial cancer of breast. Last evaluated: 2023-05-23. Review status: criteria provided, single submitter. Criteria: Myriad Autosomal Dominant, Autosomal Recessive and X-Linked Classification Criteria (2023). Collection method: clinical testing. Allele origin: unknown.
Comment: This variant is considered likely pathogenic. This variant occurs within a consensus splice junction and is predicted to result in abnormal mRNA splicing of either an out-of-frame exon or an in-frame exon necessary for protein stability and/or normal function.

Literature cited by the submitters: PubMed 30130155 (cited by Labcorp Genetics (formerly Invitae), Labcorp and Ambry Genetics); PubMed 31036035 (cited by Labcorp Genetics (formerly Invitae), Labcorp and Ambry Genetics).